The following is an entry in ClinVar:

ClinVar aggregate classification (germline): Uncertain significance (1 of 4 stars; one submission).

Submission:

GeneDx
Classification: Uncertain significance. Last evaluated: 2017-08-08. Review status: criteria provided, single submitter. Criteria: GeneDx Variant Classification (06012015). Collection method: clinical testing. Allele origin: germline. Affected: yes.
Comment: The c.184-1G>A variant in the RAP1B gene has not been reported previously as a pathogenic variant nor as a benign variant, to our knowledge. This splice site variant destroys the canonical splice acceptor site in intron 4. It is predicted to cause abnormal gene splicing, either leading to an abnormal message that is subject to nonsense-mediated mRNA decay, or to an abnormal protein product if the message is used for protein translation. The c.184-1G>A variant is not observed in large population cohorts (Lek et al., 2016; 1000 Genomes Consortium et al., 2015; Exome Variant Server). We interpret c.184-1G>A as a variant of uncertain significance.

NM_001010942.3(RAP1B):c.184-1G>A

Gene: RAP1B (RAP1B, member of RAS oncogene family; plus strand). Cytogenetic location: 12q15.
Variant type: single nucleotide variant.
Coding change: c.184-1G>A on transcript NM_001010942.3 (MANE Select); the canonical splice acceptor site of the intron before coding-DNA position 184, G replaced by A.
Molecular consequence: splice acceptor variant. On other transcripts: intron variant (1).
Genome position (GRCh38, 1-based): chr12:68,654,111, G>A. VCF-style: chr12-68654111-G-A. GRCh37 (hg19) VCF-style: chr12-69047891-G-A.
Other names: c.127-1G>A (NM_001251921.2); c.58-1G>A (NM_001251918.2, NM_001251917.2); c.184-1G>A (NM_015646.6); c.183+2060G>A (NM_001251922.2).
Identifiers: ClinVar variation 451009 (VCV000451009.2), dbSNP rs1555173407, ClinGen allele CA385688480.